The following is an entry in ClinVar:

ClinVar aggregate classification (germline): Uncertain significance. Review status: criteria provided, multiple submitters, no conflicts (2 of 4 stars). 4 submissions from 4 submitters: Uncertain significance (4). Last evaluated 2025-01-08.

Conditions:
Ataxia-telangiectasia syndrome (AT). Also called: ATAXIA-TELANGIECTASIA, COMPLEMENTATION GROUP A; ATAXIA-TELANGIECTASIA, FRESNO VARIANT; LOUIS-BAR SYNDROME; Ataxia telangiectasia (A-T); Cerebello-oculocutaneous telangiectasia; Immunodeficiency with ataxia telangiectasia. Identifiers: Orphanet 100, MedGen C0004135, MONDO:0008840, OMIM 208900.
Hereditary cancer-predisposing syndrome. Also called: Tumor predisposition; Neoplastic Syndromes, Hereditary; Hereditary Cancer Syndrome; Hereditary neoplastic syndrome. Identifiers: Orphanet 140162, MedGen C0027672, MeSH D009386, MONDO:0015356.

Submissions (4):

Labcorp Genetics (formerly Invitae), Labcorp
Classification: Uncertain significance for Ataxia-telangiectasia syndrome. Last evaluated: 2025-01-08. Review status: criteria provided, single submitter. Criteria: Invitae Variant Classification Sherloc (09022015). Collection method: clinical testing. Allele origin: germline.
Comment: This sequence change replaces isoleucine, which is neutral and non-polar, with phenylalanine, which is neutral and non-polar, at codon 1256 of the ATM protein (p.Ile1256Phe). This variant is not present in population databases (gnomAD no frequency). This variant has not been reported in the literature in individuals affected with ATM-related conditions. ClinVar contains an entry for this variant (Variation ID: 627798). Invitae Evidence Modeling of protein sequence and biophysical properties (such as structural, functional, and spatial information, amino acid conservation, physicochemical variation, residue mobility, and thermodynamic stability) indicates that this missense variant is not expected to disrupt ATM protein function with a negative predictive value of 95%. In summary, the available evidence is currently insufficient to determine the role of this variant in disease. Therefore, it has been classified as a Variant of Uncertain Significance.

GeneDx
Classification: Uncertain significance. Last evaluated: 2024-11-18. Review status: criteria provided, single submitter. Criteria: GeneDx Variant Classification Process June 2021. Collection method: clinical testing. Allele origin: germline. Affected: yes.
Comment: Not observed at significant frequency in large population cohorts (gnomAD); In silico analysis supports that this missense variant has a deleterious effect on protein structure/function; Has not been previously published as pathogenic or benign to our knowledge

Ambry Genetics
Classification: Uncertain significance for Hereditary cancer-predisposing syndrome. Last evaluated: 2023-12-31. Review status: criteria provided, single submitter. Criteria: Ambry Variant Classification Scheme 2023. Collection method: clinical testing. Allele origin: germline.
Comment: The p.I1256F variant (also known as c.3766A>T), located in coding exon 25 of the ATM gene, results from an A to T substitution at nucleotide position 3766. The isoleucine at codon 1256 is replaced by phenylalanine, an amino acid with highly similar properties. This amino acid position is not well conserved in available vertebrate species. In addition, the in silico prediction for this alteration is inconclusive. Since supporting evidence is limited at this time, the clinical significance of this alteration remains unclear.

Color Diagnostics, LLC DBA Color Health
Classification: Uncertain significance for Hereditary cancer-predisposing syndrome. Last evaluated: 2023-12-04. Review status: criteria provided, single submitter. Criteria: ACMG Guidelines, 2015. Collection method: clinical testing. Allele origin: germline.
Comment: This missense variant replaces isoleucine with phenylalanine at codon 1256 of the ATM protein. Computational prediction suggests that this variant may not impact protein structure and function (internally defined REVEL score threshold <= 0.5, PMID: 27666373). To our knowledge, functional studies have not been reported for this variant. This variant has not been reported in individuals affected with ATM-related disorders in the literature. This variant has not been identified in the general population by the Genome Aggregation Database (gnomAD). The available evidence is insufficient to determine the role of this variant in disease conclusively. Therefore, this variant is classified as a Variant of Uncertain Significance.

NM_000051.4(ATM):c.3766A>T (p.Ile1256Phe)

Gene: ATM (ATM serine/threonine kinase; plus strand). Cytogenetic location: 11q22.3.
Variant type: single nucleotide variant.
Coding change: c.3766A>T on transcript NM_000051.4 (MANE Select); coding-DNA position 3766, A replaced by T.
Protein change: p.Ile1256Phe; replaces isoleucine 1256 with phenylalanine.
Molecular consequence: missense variant.
Genome position (GRCh38, 1-based): chr11:108,284,246, A>T. VCF-style: chr11-108284246-A-T. GRCh37 (hg19) VCF-style: chr11-108154973-A-T.
Other names: c.3766A>T, p.Ile1256Phe (NM_001351834.2); short protein forms I1256F.
Identifiers: ClinVar variation 627798 (VCV000627798.18), dbSNP rs1030517820, ClinGen allele CA228368022.